The following is an entry in ClinVar:

NM_001171.6(ABCC6):c.2787+1G>T

Gene: ABCC6 (ATP binding cassette subfamily C member 6; minus strand). Cytogenetic location: 16p13.11.
Variant type: single nucleotide variant.
Coding change: c.2787+1G>T on transcript NM_001171.6 (MANE Select); the canonical splice donor site of the intron after coding-DNA position 2787, G replaced by T.
Molecular consequence: splice donor variant.
Genome position (GRCh38, 1-based): chr16:16,173,283, C>A on the plus strand (G>T on the coding strand, the complement: ABCC6 is on the minus strand). VCF-style: chr16-16173283-C-A. GRCh37 (hg19) VCF-style: chr16-16267140-C-A.
Other names: IVS21, G-T, +1; IVS21DS, G-T, +1; c.2445+1G>T (NM_001351800.1).
Identifiers: ClinVar variation 6560 (VCV000006560.68), dbSNP rs72664209, ClinGen allele CA150651.

ClinVar aggregate classification (germline): Pathogenic. Review status: criteria provided, multiple submitters, no conflicts (2 of 4 stars). 18 submissions from 17 submitters: Pathogenic (11). 7 of the submissions do not count toward it. Last evaluated 2026-09-22.

Conditions:
Pseudoxanthoma elasticum. Also called: Pseudoxanthoma elasticum (inherited or acquired). Identifiers: MedGen C0033847, MONDO:0024308.
ABCC6-related disorder. Also called: ABCC6-related condition.
Autosomal recessive inherited pseudoxanthoma elasticum (PXE). Identifiers: Orphanet 758, MedGen CN032334, MONDO:0009925, OMIM 264800.
Pseudoxanthoma elasticum, forme fruste. Also called: PSEUDOXANTHOMA ELASTICUM, HETEROZYGOUS; Pseudoxanthoma Elasticum, Incomplete. Identifiers: Orphanet 758, MedGen C1867450, MONDO:0008333, OMIM 177850.
Arterial calcification, generalized, of infancy, 2. Identifiers: Orphanet 51608, MedGen C3276161, MONDO:0013768, OMIM 614473.

Allele frequency attached by ClinVar (database versions not stated): gnomAD exomes 0.00012 and 0.00035; gnomAD 0.00015 and 0.00017; ExAC 0.00010; TOPMed 0.00017.
gnomAD v4.1: 511 of 1,613,630 alleles (0.032%); highest among the groups gnomAD compares: Non-Finnish European, 0.042%; no homozygotes.

Submissions (18):

PreventionGenetics, part of Exact Sciences
Classification: Pathogenic for ABCC6-related condition. Last evaluated: 2026-09-22. Review status: criteria provided, single submitter. Criteria: ACMG Guidelines, 2015. Collection method: clinical testing. Allele origin: germline.
Comment: The ABCC6 c.2787+1G>T variant is predicted to disrupt the GT donor site and interfere with normal splicing. This variant, also described as IVS21+1G>T, has been reported along with a second plausible causative variant in patients with pseudoxanthoma elasticum or generalized arterial calcification of infancy (PXE, GACI, see for example: Le Saux et al. 2000. PubMed ID: 10835642; Nitschke et al. 2012. PubMed ID: 22209248; Li et al. 2014. PubMed ID: 24008425). This variant is reported in 0.023% of alleles in individuals of European (non-Finnish) descent in gnomAD. Variants that disrupt the consensus splice donor site in ABCC6 are expected to be pathogenic. This variant is interpreted as pathogenic.

CeGaT Center for Human Genetics Tuebingen
Classification: Pathogenic. Last evaluated: 2026-09-01. Review status: criteria provided, single submitter. Criteria: CeGaT Center For Human Genetics Tuebingen Variant Classification Criteria Version 2. Collection method: clinical testing. Allele origin: germline. Affected: yes. Observed: 8 variant alleles.
Comment: ABCC6: PM3:Very Strong, PVS1, PM2

Labcorp Genetics (formerly Invitae), Labcorp
Classification: Pathogenic. Last evaluated: 2026-01-25. Review status: criteria provided, single submitter. Criteria: Invitae Variant Classification Sherloc (09022015). Collection method: clinical testing. Allele origin: germline.
Comment: This sequence change affects a donor splice site in intron 21 of the ABCC6 gene. It is expected to disrupt RNA splicing. Variants that disrupt the donor or acceptor splice site typically lead to a loss of protein function (PMID: 16199547), and loss-of-function variants in ABCC6 are known to be pathogenic (PMID: 11536079, 17617515). This variant is present in population databases (rs72664209, gnomAD 0.02%). Disruption of this splice site has been observed in individuals with pseudoxanthoma elasticum or generalized arterial calcification of infancy (PMID: 10835642, 16835894, 18253096, 22209248, 24008425, 25265166). This variant is also known as IVS21+1G>T. ClinVar contains an entry for this variant (Variation ID: 6560). Algorithms developed to predict the effect of sequence changes on RNA splicing suggest that this variant may disrupt the consensus splice site. For these reasons, this variant has been classified as Pathogenic.

GeneDx
Classification: Pathogenic. Last evaluated: 2025-06-03. Review status: criteria provided, single submitter. Criteria: GeneDx Variant Classification Process June 2021. Collection method: clinical testing. Allele origin: germline. Affected: yes.
Comment: Observed in patients with pseudoxanthoma elasticum in published literature (PMID: 10835642, 18253096, 17617515); Canonical splice site variant predicted to result in a null allele in a gene for which loss of function is a known mechanism of disease; This variant is associated with the following publications: (PMID: 35583931, 36368308, 16835894, 16086317, 11427982, 24008425, 25525159, 10835643, 21167005, 20189652, 22209248, 29800625, 30215852, 28102862, 18253096, 17617515, 33352936, 34205333, 32489700, 31589614, 33820832, 35261845, 34925949, 34906475, 10835642, 38927735, 37558402, 15723264)

Variantyx, Inc.
Classification: Pathogenic for Autosomal recessive inherited pseudoxanthoma elasticum. Last evaluated: 2025-03-18. Review status: criteria provided, single submitter. Criteria: Variantyx Assertion Criteria 2022. Collection method: clinical testing. Allele origin: germline. Inheritance: Autosomal recessive inheritance.
Comment: This is a canonical splicing variant in the ABCC6 gene (OMIM: 603234). Pathogenic variants in this gene have been associated with autosomal recessive pseudoxanthoma elasticum. This splicing variant is expected to result in loss of function, which is a known disease mechanism for ABCC6 in this disorder (PMID: 19929409, 28102862) (PVS1). This variant was predicted and shown to create a new splice site and aberrant splicing (PMID: 22209248). This variant has been reported in the homozygous or compound heterozygous state in multiple unrelated affected individuals (PMID: 21167005, 24727260, 16835894, 35261845, 34205333, 10835642) (PM3). This variant has a 0.0425% maximum allele frequency in non-founder control populations (PM2). Based on the current evidence, this variant is classified as pathogenic for autosomal recessive pseudoxanthoma elasticum.

Mayo Clinic Laboratories, Mayo Clinic
Classification: Pathogenic. Last evaluated: 2025-02-06. Review status: criteria provided, single submitter. Criteria: ACMG Guidelines, 2015. Collection method: clinical testing. Allele origin: germline. Observed: 1 variant allele.
Comment: PM3_very_strong, PVS1

Revvity Omics, Revvity
Classification: Pathogenic. Last evaluated: 2024-11-08. Review status: criteria provided, single submitter. Criteria: ACMG Guidelines, 2015. Collection method: clinical testing. Allele origin: germline.

Women's Health and Genetics/Laboratory Corporation of America, LabCorp
Classification: Pathogenic for Pseudoxanthoma elasticum. Last evaluated: 2024-11-04. Review status: criteria provided, single submitter. Criteria: LabCorp Variant Classification Summary - May 2015. Collection method: clinical testing. Allele origin: germline.
Comment: Variant summary: ABCC6 c.2787+1G>T is located in a canonical splice-site and is predicted to affect mRNA splicing resulting in a significantly altered protein due to either exon skipping, shortening, or inclusion of intronic material. Variants that disrupt the consensus splice site are a relatively common cause of aberrant splicing and loss of ABCC6 function. Several computational tools predict a significant impact on normal splicing: Four predict the variant abolishes a 5' splicing donor site. Two predict the variant creates a 5' donor site. However, these predictions have yet to be confirmed by functional studies. The variant allele was found at a frequency of 0.00012 in 250980 control chromosomes. This frequency is not significantly higher than estimated for a pathogenic variant in ABCC6 causing Pseudoxanthoma Elasticum, allowing no conclusion about variant significance. c.2787+1G>T has been reported in the literature in multiple compound heterozygous or homozygous individuals affected with Pseudoxanthoma Elasticum (e.g. Le Saux_2000, Plomp_2008, Kuzaj_2014, Saeidian_2022). These data indicate that the variant is very likely to be associated with disease. To our knowledge, no experimental evidence demonstrating an impact on protein function has been reported. The following publications have been ascertained in the context of this evaluation (PMID: 25265166, 10835642, 18253096, 34906475). ClinVar contains an entry for this variant (Variation ID: 6560). Based on the evidence outlined above, the variant was classified as pathogenic.

Blueprint Genetics
Classification: Pathogenic for ABCC6-related disorders. Last evaluated: 2024-10-31. Review status: criteria provided, single submitter. Criteria: ACMG Guidelines, 2015. Collection method: clinical testing. Allele origin: germline. Affected: yes. Observed: 5 variant alleles.

Baylor Genetics
Classification: Pathogenic for Arterial calcification, generalized, of infancy, 2. Last evaluated: 2023-06-30. Review status: criteria provided, single submitter. Criteria: ACMG Guidelines, 2015. Collection method: clinical testing. Allele origin: unknown.

Fulgent Genetics
Classification: Pathogenic for Pseudoxanthoma elasticum, forme fruste; Autosomal recessive inherited pseudoxanthoma elasticum; Arterial calcification, generalized, of infancy, 2. Last evaluated: 2018-10-31. Review status: criteria provided, single submitter. Criteria: ACMG Guidelines, 2015. Collection method: clinical testing. Allele origin: unknown.

OMIM
Classification: Pathogenic for PSEUDOXANTHOMA ELASTICUM. Last evaluated: 2012-01-13. Review status: no assertion criteria provided. Collection method: literature only. Allele origin: germline. Not counted in ClinVar's aggregate classification.

OMIM
Classification: Pathogenic for ARTERIAL CALCIFICATION, GENERALIZED, OF INFANCY, 2. Last evaluated: 2012-01-13. Review status: no assertion criteria provided. Collection method: literature only. Allele origin: germline. Not counted in ClinVar's aggregate classification.

Clinical Genetics, Academic Medical Center
Classification: Pathogenic. Review status: no assertion criteria provided. Collection method: clinical testing. Allele origin: germline. Affected: yes. Study: VKGL Data-share Consensus. Not counted in ClinVar's aggregate classification.

Diagnostic Laboratory, Department of Genetics, University Medical Center Groningen
Classification: Pathogenic. Review status: no assertion criteria provided. Collection method: clinical testing. Allele origin: germline. Affected: yes. Study: VKGL Data-share Consensus. Not counted in ClinVar's aggregate classification.

Genome Diagnostics Laboratory, Amsterdam University Medical Center
Classification: Pathogenic. Review status: no assertion criteria provided. Collection method: clinical testing. Allele origin: germline. Affected: yes. Study: VKGL Data-share Consensus. Not counted in ClinVar's aggregate classification.

Joint Genome Diagnostic Labs from Nijmegen and Maastricht, Radboudumc and MUMC+
Classification: Pathogenic. Review status: no assertion criteria provided. Collection method: clinical testing. Allele origin: germline. Affected: yes. Study: VKGL Data-share Consensus. Not counted in ClinVar's aggregate classification.

PXE International
Classification: Pathogenic for Autosomal recessive inherited pseudoxanthoma elasticum. Review status: no assertion criteria provided. Collection method: research. Allele origin: germline. Affected: yes. Observed: 15 variant alleles. Clinical features observed: Papule (HP:0200034), Angioid streaks of the retina (HP:0001102), Skin plaque (HP:0200035), Retinal hemorrhage (HP:0000573), Vascular surgery, Intermittent claudication (HP:0004417), Myocardial infarction (HP:0001658), Abnormally lax or hyperextensible skin (HP:0008067), Angina pectoris (HP:0001681), Abnormal EKG (HP:0003115), Weak or absent arterial pulse. Not counted in ClinVar's aggregate classification.

Literature cited by the submitters: PubMed 16199547 (cited by Labcorp Genetics (formerly Invitae), Labcorp); PubMed 11536079 (cited by Labcorp Genetics (formerly Invitae), Labcorp); PubMed 17617515 (cited by Labcorp Genetics (formerly Invitae), Labcorp); PubMed 10835642 (cited by 3 submitters); PubMed 16835894 (cited by Labcorp Genetics (formerly Invitae), Labcorp and Variantyx, Inc.); PubMed 18253096 (cited by Labcorp Genetics (formerly Invitae), Labcorp and Women's Health and Genetics/Laboratory Corporation of America, LabCorp); PubMed 22209248 (cited by 3 submitters); PubMed 24008425 (cited by Labcorp Genetics (formerly Invitae), Labcorp and Mayo Clinic Laboratories, Mayo Clinic); PubMed 25265166 (cited by Labcorp Genetics (formerly Invitae), Labcorp and Women's Health and Genetics/Laboratory Corporation of America, LabCorp); PubMed 19929409 (cited by Variantyx, Inc.); PubMed 28102862 (cited by Variantyx, Inc. and OMIM); PubMed 24727260 (cited by Variantyx, Inc.); PubMed 25525159 (cited by Mayo Clinic Laboratories, Mayo Clinic); PubMed 29800625 (cited by Mayo Clinic Laboratories, Mayo Clinic); PubMed 30215852 (cited by Mayo Clinic Laboratories, Mayo Clinic); PubMed 31589614 (cited by Mayo Clinic Laboratories, Mayo Clinic); PubMed 34205333 (cited by Mayo Clinic Laboratories, Mayo Clinic); PubMed 34906475 (cited by Women's Health and Genetics/Laboratory Corporation of America, LabCorp); PubMed 16573612 (cited by OMIM).